The following is an entry in ClinVar:

NM_000135.4(FANCA):c.1127A>G (p.Gln376Arg)

Gene: FANCA (FA complementation group A; minus strand). Cytogenetic location: 16q24.3.
Variant type: single nucleotide variant.
Coding change: c.1127A>G on transcript NM_000135.4 (MANE Select); coding-DNA position 1127, A replaced by G.
Protein change: p.Gln376Arg; replaces glutamine 376 with arginine.
Molecular consequence: missense variant.
Genome position (GRCh38, 1-based): chr16:89,792,025, T>C on the plus strand (A>G on the coding strand, the complement: FANCA is on the minus strand). VCF-style: chr16-89792025-T-C. GRCh37 (hg19) VCF-style: chr16-89858433-T-C.
Other names: c.1127A>G, p.Gln376Arg (NM_001286167.3); c.1127A>G (NM_000135.2); short protein forms Q376R.
Identifiers: ClinVar variation 1507603 (VCV001507603.9), dbSNP rs2143530391, ClinGen allele CA397466245.

ClinVar aggregate classification (germline): Uncertain significance. Review status: criteria provided, multiple submitters, no conflicts (2 of 4 stars). 2 submissions from 2 submitters: Uncertain significance (2). Last evaluated 2026-03-23.

Conditions:
Fanconi anemia (FA). Also called: Fanconi's anemia. Identifiers: Orphanet 84, MedGen C0015625, MeSH D005199, MONDO:0019391.
Inborn genetic diseases. Identifiers: MedGen C0950123, MeSH D030342.

Submissions (2):

Ambry Genetics
Classification: Uncertain significance for Inborn genetic diseases. Last evaluated: 2026-03-23. Review status: criteria provided, single submitter. Criteria: Ambry Variant Classification Scheme 2023. Collection method: clinical testing. Allele origin: germline.
Comment: The p.Q376R variant (also known as c.1127A>G), located in coding exon 13 of the FANCA gene, results from an A to G substitution at nucleotide position 1127. The glutamine at codon 376 is replaced by arginine, an amino acid with highly similar properties. This amino acid position is conserved. In addition, this alteration is predicted to be tolerated by in silico analysis. Based on the available evidence, the clinical significance of this variant remains unclear.

Labcorp Genetics (formerly Invitae), Labcorp
Classification: Uncertain significance for Fanconi anemia. Last evaluated: 2021-06-13. Review status: criteria provided, single submitter. Criteria: Invitae Variant Classification Sherloc (09022015). Collection method: clinical testing. Allele origin: germline.
Comment: This sequence change replaces glutamine with arginine at codon 376 of the FANCA protein (p.Gln376Arg). The glutamine residue is highly conserved and there is a small physicochemical difference between glutamine and arginine. This variant is not present in population databases (ExAC no frequency). This variant has not been reported in the literature in individuals with FANCA-related conditions. Advanced modeling of protein sequence and biophysical properties (such as structural, functional, and spatial information, amino acid conservation, physicochemical variation, residue mobility, and thermodynamic stability) performed at Invitae indicates that this missense variant is not expected to disrupt FANCA protein function. In summary, the available evidence is currently insufficient to determine the role of this variant in disease. Therefore, it has been classified as a Variant of Uncertain Significance.